The following is an entry in ClinVar:

ClinVar aggregate classification (germline): Likely benign. Review status: criteria provided, multiple submitters, no conflicts (2 of 4 stars). 4 submissions from 4 submitters: Likely benign (3). 1 of the submissions does not count toward it. Last evaluated 2026-01-15.

Conditions:
RYR3-related disorder. Also called: RYR3-related condition.
Epileptic encephalopathy. Identifiers: MedGen C0543888, HP:0200134.

Allele frequency attached by ClinVar (database versions not stated): 1000 Genomes Project 30x 0.00016; 1000 Genomes Project 0.00020; gnomAD exomes 0.00032; ExAC 0.00037; gnomAD 0.00050; TOPMed 0.00052; ESP Exome Variant Server 0.00113.
gnomAD v4.1: 1,264 of 1,610,428 alleles (0.078%); highest among the groups gnomAD compares: Non-Finnish European, 0.1%; 1 homozygote.

Submissions (4):

Labcorp Genetics (formerly Invitae), Labcorp
Classification: Likely benign for Epileptic encephalopathy. Last evaluated: 2026-01-15. Review status: criteria provided, single submitter. Criteria: Invitae Variant Classification Sherloc (09022015). Collection method: clinical testing. Allele origin: germline.

Blueprint Genetics
Classification: Likely benign. Last evaluated: 2024-10-31. Review status: criteria provided, single submitter. Criteria: ACMG Guidelines, 2015. Collection method: clinical testing. Allele origin: germline.

CeGaT Center for Human Genetics Tuebingen
Classification: Likely benign. Last evaluated: 2022-06-01. Review status: criteria provided, single submitter. Criteria: CeGaT Center For Human Genetics Tuebingen Variant Classification Criteria Version 2. Collection method: clinical testing. Allele origin: germline. Affected: yes. Observed: 1 variant allele.
Comment: RYR3: BP4, BP7

PreventionGenetics, part of Exact Sciences
Classification: Likely benign for RYR3-related condition. Last evaluated: 2019-10-28. Review status: no assertion criteria provided. Collection method: clinical testing. Allele origin: germline. Not counted in ClinVar's aggregate classification.
Comment: This variant is classified as likely benign based on ACMG/AMP sequence variant interpretation guidelines (Richards et al. 2015 PMID: 25741868, with internal and published modifications).

NM_001036.6(RYR3):c.14280C>T (p.Ile4760=)

Genes: AVEN (apoptosis and caspase activation inhibitor; minus strand), RYR3 (ryanodine receptor 3; plus strand). Cytogenetic location: 15q14.
Variant type: single nucleotide variant.
Coding change: c.14280C>T on transcript NM_001036.6 (MANE Select); coding-DNA position 14280, C replaced by T.
Protein change: p.Ile4760=; no amino-acid change (isoleucine 4760 retained).
Molecular consequence: synonymous variant.
Genome position (GRCh38, 1-based): chr15:33,859,712, C>T. VCF-style: chr15-33859712-C-T. GRCh37 (hg19) VCF-style: chr15-34151913-C-T.
Other names: c.14265C>T, p.Ile4755= (NM_001243996.4).
Identifiers: ClinVar variation 461878 (VCV000461878.44), dbSNP rs368370540, ClinGen allele CA7461964.